The following is an entry in ClinVar:

ClinVar aggregate classification (germline): Benign. Review status: criteria provided, multiple submitters, no conflicts (2 of 4 stars). 2 submissions from 2 submitters: Benign (2). Last evaluated 2018-06-14.

Allele frequency attached by ClinVar (database versions not stated): 1000 Genomes Project 30x 0.57324; TOPMed 0.67426; 1000 Genomes Project 0.56649; gnomAD 0.68440 and 0.67410.
gnomAD v4.1: 102,485 of 151,634 alleles (68%); highest among the groups gnomAD compares: Middle Eastern, 82%; 35,371 homozygotes.

Submissions (2):

GeneDx
Classification: Benign. Last evaluated: 2018-06-14. Review status: criteria provided, single submitter. Criteria: GeneDx Variant Classification (06012015). Collection method: clinical testing. Allele origin: germline. Affected: yes.
Comment: This variant is considered likely benign or benign based on one or more of the following criteria: it is a conservative change, it occurs at a poorly conserved position in the protein, it is predicted to be benign by multiple in silico algorithms, and/or has population frequency not consistent with disease.

Breakthrough Genomics
Classification: Benign. Review status: criteria provided, single submitter. Criteria: ACMG Guidelines, 2015. Collection method: not provided. Allele origin: germline. Inheritance: Autosomal recessive inheritance. Affected: yes.

NM_001384140.1(PCDH15):c.705+190G>A

Gene: PCDH15 (protocadherin related 15; minus strand). Cytogenetic location: 10q21.1.
Variant type: single nucleotide variant.
Coding change: c.705+190G>A on transcript NM_001384140.1 (MANE Select); 190 bases into the intron after coding-DNA position 705, G replaced by A.
Molecular consequence: intron variant.
Genome position (GRCh38, 1-based): chr10:54,329,406, C>T on the plus strand (G>A on the coding strand, the complement: PCDH15 is on the minus strand). VCF-style: chr10-54329406-C-T. GRCh37 (hg19) VCF-style: chr10-56089166-C-T.
Other names: c.705+190G>A (NM_001354420.2, NM_001354429.2, NM_001142772.2 and 7 more transcripts); c.720+190G>A (NM_001142771.2, NM_001142769.3, NM_001142763.2); c.639+190G>A (NM_001354404.2, NM_001142773.2, NM_001142768.2); c.595-11965G>A (NM_001142767.2).
Identifiers: ClinVar variation 678844 (VCV000678844.2), dbSNP rs11004239, ClinGen allele CA207582266.